The following is an entry in ClinVar:

ClinVar aggregate classification (germline): Uncertain significance (0 of 4 stars; one submission).

Conditions:
ROCK2-related disorder. Also called: ROCK2-related condition.

Submission:

PreventionGenetics, part of Exact Sciences
Classification: Uncertain significance for ROCK2-related condition. Last evaluated: 2024-05-16. Review status: no assertion criteria provided. Collection method: clinical testing. Allele origin: germline.
Comment: The ROCK2 c.2T>G variant is predicted to disrupt the translation initiation site (Start Loss). To our knowledge, this variant has not been reported in the literature or in a large population database, indicating this variant is rare. At this time, the clinical significance of this variant is uncertain due to the absence of conclusive functional and genetic evidence.

NM_004850.5(ROCK2):c.2T>G (p.Met1Arg)

Genes: ROCK2 (Rho associated coiled-coil containing protein kinase 2; minus strand), LOC129933119 (ATAC-STARR-seq lymphoblastoid silent region 11172; plus strand). Cytogenetic location: 2p25.1.
Variant type: single nucleotide variant.
Coding change: c.2T>G on transcript NM_004850.5 (MANE Select); coding-DNA position 2, T replaced by G.
Protein change: p.Met1Arg; changes the start codon (methionine 1).
Molecular consequence: missense variant, initiator codon variant. On other transcripts: intron variant (1).
Genome position (GRCh38, 1-based): chr2:11,344,135, A>C on the plus strand (T>G on the coding strand, the complement: ROCK2 is on the minus strand). VCF-style: chr2-11344135-A-C. GRCh37 (hg19) VCF-style: chr2-11484261-A-C.
Other names: c.-118+1139T>G (NM_001321643.2); short protein forms M1R.
Identifiers: ClinVar variation 3351295 (VCV003351295.1).